The following is an entry in ClinVar:

NM_020347.4(LZTFL1):c.882-10A>C

Gene: LZTFL1 (leucine zipper transcription factor like 1; minus strand). Cytogenetic location: 3p21.31.
Variant type: single nucleotide variant.
Coding change: c.882-10A>C on transcript NM_020347.4 (MANE Select); 10 bases into the intron before coding-DNA position 882, A replaced by C.
Molecular consequence: intron variant.
Genome position (GRCh38, 1-based): chr3:45,826,342, T>G on the plus strand (A>C on the coding strand, the complement: LZTFL1 is on the minus strand). VCF-style: chr3-45826342-T-G. GRCh37 (hg19) VCF-style: chr3-45867834-T-G.
Other names: c.802-10A>C (NM_001405925.1); c.906-10A>C (NM_001405920.1); c.766-10A>C (NM_001276379.2); c.870-10A>C (NM_001405921.1); c.727-10A>C (NM_001405927.1, NM_001405926.1, NM_001405928.1); c.831-10A>C (NM_001276378.2, NM_001405923.1, NM_001386451.1 and 1 more transcripts); c.816-10A>C (NM_001405924.1); c.778-10A>C (NM_001386452.1).
Identifiers: ClinVar variation 3348119 (VCV003348119.1).

ClinVar aggregate classification (germline): Likely benign (0 of 4 stars; one submission).

Conditions:
LZTFL1-related disorder. Also called: LZTFL1-related condition.

gnomAD v4.1: 2 of 1,609,318 alleles (0.00012%); highest among the groups gnomAD compares: South Asian, 0.0011%; no homozygotes.

Submission:

PreventionGenetics, part of Exact Sciences
Classification: Likely benign for LZTFL1-related condition. Last evaluated: 2023-09-13. Review status: no assertion criteria provided. Collection method: clinical testing. Allele origin: germline.
Comment: This variant is classified as likely benign based on ACMG/AMP sequence variant interpretation guidelines (Richards et al. 2015 PMID: 25741868, with internal and published modifications).